The following is an entry in ClinVar:

NM_024675.4(PALB2):c.2883G>A (p.Leu961=)

Gene: PALB2 (partner and localizer of BRCA2; minus strand). Cytogenetic location: 16p12.2.
Variant type: single nucleotide variant.
Coding change: c.2883G>A on transcript NM_024675.4 (MANE Select); coding-DNA position 2883, G replaced by A.
Protein change: p.Leu961=; no amino-acid change (leucine 961 retained).
Molecular consequence: synonymous variant. On other transcripts: intron variant (1).
Genome position (GRCh38, 1-based): chr16:23,623,082, C>T on the plus strand (G>A on the coding strand, the complement: PALB2 is on the minus strand). VCF-style: chr16-23623082-C-T. GRCh37 (hg19) VCF-style: chr16-23634403-C-T.
Other names: c.2823G>A, p.Leu941= (NM_001407296.1); c.2811G>A, p.Leu937= (NM_001407297.1); c.2721G>A, p.Leu907= (NM_001407298.1, NM_001407302.1); c.2883G>A, p.Leu961= (NM_001407299.1, NM_001407301.1); c.1998G>A, p.Leu666= (NM_001407304.1, NM_001407305.1, NM_001407306.1 and 4 more transcripts); c.1836G>A, p.Leu612= (NM_001407307.1); c.1095G>A, p.Leu365= (NM_001407312.1, NM_001407313.1); c.417G>A, p.Leu139= (NM_001407314.1); and 1 more.
Identifiers: ClinVar variation 3903807 (VCV003903807.2).

ClinVar aggregate classification (germline): Benign/Likely benign. Review status: criteria provided, multiple submitters, no conflicts (2 of 4 stars). 2 submissions from 2 submitters: Benign (1); Likely benign (1). Last evaluated 2025-07-09.

Conditions:
Familial cancer of breast. Also called: Hereditary breast cancer; hereditary breast carcinoma; BREAST CANCER, FAMILIAL. Identifiers: Orphanet 227535, MedGen C0346153, MONDO:0016419, OMIM 114480. Disease mechanism: loss of function.

Submissions (2):

Labcorp Genetics (formerly Invitae), Labcorp
Classification: Likely benign for Familial cancer of breast. Last evaluated: 2025-07-09. Review status: criteria provided, single submitter. Criteria: Invitae Variant Classification Sherloc (09022015). Collection method: clinical testing. Allele origin: germline.

Myriad Genetics, Inc.
Classification: Benign for Familial cancer of breast. Last evaluated: 2025-01-21. Review status: criteria provided, single submitter. Criteria: Myriad Autosomal Dominant, Autosomal Recessive and X-Linked Classification Criteria (2023). Collection method: clinical testing. Allele origin: unknown.
Comment: This variant is considered benign. This variant is a silent/synonymous amino acid change and it is not expected to impact splicing.